The following is an entry in ClinVar:

NM_016111.4(TELO2):c.2296G>A (p.Val766Met)

Gene: TELO2 (telomere maintenance 2; plus strand). Cytogenetic location: 16p13.3.
Variant type: single nucleotide variant.
Coding change: c.2296G>A on transcript NM_016111.4 (MANE Select); coding-DNA position 2296, G replaced by A.
Protein change: p.Val766Met; replaces valine 766 with methionine.
Molecular consequence: missense variant.
Genome position (GRCh38, 1-based): chr16:1,507,605, G>A. VCF-style: chr16-1507605-G-A. GRCh37 (hg19) VCF-style: chr16-1557606-G-A.
Other names: TELO2, VAL766MET (rs371675497); c.2296G>A, p.Val766Met (NM_001351846.2); short protein forms V766M.
Identifiers: ClinVar variation 236227 (VCV000236227.23), dbSNP rs371675497, ClinGen allele CA7812619.
Genomic context (GRCh38, chr16:1,507,605, plus strand): 5'-TGGGAGGTCTGGGGTGTGGTCCCTGCCGAGCTCAGCCCCCGCCTTCTTGCCGGCAGCTAC[G>A]TGCGCCAGGGGCTGTTGTCGGCCGTCTCCTCCGTCCTGCTCAGCCTGCCTGCTGCGCGCC-3'
Protein context (NP_057195.2, residues 756-776): WALRFHIDAY[Val766Met]RQGLLSAVSS

ClinVar aggregate classification (germline): Conflicting classifications of pathogenicity. Review status: criteria provided, conflicting classifications (1 of 4 stars). 8 submissions from 8 submitters: Pathogenic (2); Likely pathogenic (2); Uncertain significance (3). 1 of the submissions does not count toward it. Last evaluated 2025-12-26.

Conditions:
TELO2-related intellectual disability-neurodevelopmental disorder. Also called: You-Hoover-Fong syndrome. Identifiers: Orphanet 488642, MedGen C4310778, MONDO:0014848, OMIM 616954.

Allele frequency attached by ClinVar (database versions not stated): ESP Exome Variant Server 0.00008; ExAC 0.00023; gnomAD exomes 0.00012; gnomAD 0.00009 and 0.00010; TOPMed 0.00008.
gnomAD v4.1: 176 of 1,588,212 alleles (0.011%); highest among the groups gnomAD compares: Non-Finnish European, 0.014%; no homozygotes.

Submissions (8):

3billion
Classification: Likely pathogenic for TELO2-related intellectual disability-neurodevelopmental disorder. Last evaluated: 2025-12-26. Review status: criteria provided, single submitter. Criteria: ACMG Guidelines, 2015. Collection method: clinical testing. Allele origin: germline. Affected: yes.
Comment: The variant is observed at an extremely low frequency in the gnomAD v4.1.0 dataset (total allele frequency: 0.011%). Predicted Consequence/Location: Missense variant Functional studies provide supporting evidence of the variant having a damaging effect on the gene or gene product (PMID: 27132593). In silico tool predictions suggest no damaging effect of the variant on gene or gene product [REVEL: 0.30 (<0.4); 3Cnet: 0.01 (<0.1, specificity 0.84 and negative predicitive value 0.97)]. The same nucleotide change resulting in the same amino acid change has been previously reported to be associated with TELO2-related disorder (ClinVar ID: VCV000236227 /PMID: 27132593).The variant has been reported to be in trans with a pathogenic variant as either compound heterozygous or homozygous in at least one similarly affected unrelated individual (PMID: 27132593). Therefore, this variant is classified as Likely pathogenic according to the recommendation of ACMG/AMP guideline.

Labcorp Genetics (formerly Invitae), Labcorp
Classification: Likely pathogenic. Last evaluated: 2025-06-30. Review status: criteria provided, single submitter. Criteria: Invitae Variant Classification Sherloc (09022015). Collection method: clinical testing. Allele origin: germline.
Comment: This sequence change replaces valine, which is neutral and non-polar, with methionine, which is neutral and non-polar, at codon 766 of the TELO2 protein (p.Val766Met). This variant is present in population databases (rs371675497, gnomAD 0.02%). This missense change has been observed in individual(s) with You-Hoover-Fong syndrome (PMID: 27132593, 36797513). In at least one individual the data is consistent with being in trans (on the opposite chromosome) from a pathogenic variant. ClinVar contains an entry for this variant (Variation ID: 236227). Invitae Evidence Modeling of protein sequence and biophysical properties (such as structural, functional, and spatial information, amino acid conservation, physicochemical variation, residue mobility, and thermodynamic stability) has been performed for this missense variant. However, the output from this modeling did not meet the statistical confidence thresholds required to predict the impact of this variant on TELO2 protein function. In summary, the currently available evidence indicates that the variant is pathogenic, but additional data are needed to prove that conclusively. Therefore, this variant has been classified as Likely Pathogenic.

Mendelics
Classification: Pathogenic for TELO2-related intellectual disability-neurodevelopmental disorder. Last evaluated: 2022-05-04. Review status: criteria provided, single submitter. Criteria: Mendelics Assertion Criteria 2019. Collection method: clinical testing. Allele origin: germline.

GeneDx
Classification: Uncertain significance. Last evaluated: 2021-05-20. Review status: criteria provided, single submitter. Criteria: GeneDx Variant Classification Process June 2021. Collection method: clinical testing. Allele origin: germline. Affected: yes.
Comment: Reported previously in an individual with intellectual disability, developmental delay, seizures, and microcephaly who was compound heterozygous for another missense variant; in vitro studies of cells derived from this patient demonstrated a decreased amount of TELO2 protein (You et al., 2016); In silico analysis, which includes protein predictors and evolutionary conservation, supports a deleterious effect; This variant is associated with the following publications: (PMID: 31290144, 27132593, 32940098)

Genomic Research Center, Shahid Beheshti University of Medical Sciences
Classification: Uncertain significance for You-Hoover-Fong syndrome. Last evaluated: 2019-04-27. Review status: criteria provided, single submitter. Criteria: ACMG Guidelines, 2015. Collection method: clinical testing. Allele origin: unknown. Affected: no.

Genetic Services Laboratory, University of Chicago
Classification: Uncertain significance. Last evaluated: 2018-07-24. Review status: criteria provided, single submitter. Criteria: ACMG Guidelines, 2015. Collection method: clinical testing. Allele origin: germline. Affected: no.

Baylor-Hopkins Center for Mendelian Genomics, Johns Hopkins University School of Medicine
Classification: Pathogenic for TELO2-related intellectual disability-neurodevelopmental disorder. Review status: criteria provided, single submitter. Criteria: Submitter's publication. Collection method: research. Allele origin: germline. Affected: yes. Observed: 1 variant allele, 1 compound heterozygote.

OMIM
Classification: Pathogenic for YOU-HOOVER-FONG SYNDROME. Last evaluated: 2019-09-10. Review status: no assertion criteria provided. Collection method: literature only. Allele origin: germline. Not counted in ClinVar's aggregate classification.

Literature cited by the submitters: PubMed 27132593 (cited by 3 submitters); PubMed 36797513 (cited by Labcorp Genetics (formerly Invitae), Labcorp).